The following is an entry in ClinVar:

NM_001384732.1(CPLANE1):c.5821-2A>G

Gene: CPLANE1 (ciliogenesis and planar polarity effector complex subunit 1; minus strand). Cytogenetic location: 5p13.2.
Variant type: single nucleotide variant.
Coding change: c.5821-2A>G on transcript NM_001384732.1 (MANE Select); the canonical splice acceptor site of the intron before coding-DNA position 5821, A replaced by G.
Molecular consequence: splice acceptor variant.
Genome position (GRCh38, 1-based): chr5:37,177,702, T>C on the plus strand (A>G on the coding strand, the complement: CPLANE1 is on the minus strand). VCF-style: chr5-37177702-T-C. GRCh37 (hg19) VCF-style: chr5-37177804-T-C.
Other names: c.5821-2A>G (NM_023073.4).
Identifiers: ClinVar variation 3009199 (VCV003009199.3), dbSNP rs2547729623, ClinGen allele CA359487735.

ClinVar aggregate classification (germline): Likely pathogenic (1 of 4 stars; one submission).

Submission:

Labcorp Genetics (formerly Invitae), Labcorp
Classification: Likely pathogenic. Last evaluated: 2023-12-05. Review status: criteria provided, single submitter. Criteria: Invitae Variant Classification Sherloc (09022015). Collection method: clinical testing. Allele origin: germline.
Comment: This sequence change affects an acceptor splice site in intron 29 of the CPLANE1 gene. It is expected to disrupt RNA splicing. Variants that disrupt the donor or acceptor splice site typically lead to a loss of protein function (PMID: 16199547), and loss-of-function variants in CPLANE1 are known to be pathogenic (PMID: 24178751, 26092869). This variant is not present in population databases (gnomAD no frequency). This variant has not been reported in the literature in individuals affected with CPLANE1-related conditions. Algorithms developed to predict the effect of sequence changes on RNA splicing suggest that this variant may disrupt the consensus splice site. In summary, the currently available evidence indicates that the variant is pathogenic, but additional data are needed to prove that conclusively. Therefore, this variant has been classified as Likely Pathogenic.

Literature cited by the submitters: PubMed 16199547; PubMed 24178751; PubMed 26092869.